The following is an entry in ClinVar:

ClinVar aggregate classification (germline): Uncertain significance (1 of 4 stars; one submission).

Submission:

Labcorp Genetics (formerly Invitae), Labcorp
Classification: Uncertain significance. Last evaluated: 2022-05-09. Review status: criteria provided, single submitter. Criteria: Invitae Variant Classification Sherloc (09022015). Collection method: clinical testing. Allele origin: germline.
Comment: In summary, the available evidence is currently insufficient to determine the role of this variant in disease. Therefore, it has been classified as a Variant of Uncertain Significance. Advanced modeling of protein sequence and biophysical properties (such as structural, functional, and spatial information, amino acid conservation, physicochemical variation, residue mobility, and thermodynamic stability) performed at Invitae indicates that this missense variant is expected to disrupt CSF1R protein function. This variant has not been reported in the literature in individuals affected with CSF1R-related conditions. This variant is not present in population databases (gnomAD no frequency). This sequence change replaces serine, which is neutral and polar, with arginine, which is basic and polar, at codon 836 of the CSF1R protein (p.Ser836Arg).

NM_001288705.3(CSF1R):c.2508C>A (p.Ser836Arg)

Gene: CSF1R (colony stimulating factor 1 receptor; minus strand). Cytogenetic location: 5q32.
Variant type: single nucleotide variant.
Coding change: c.2508C>A on transcript NM_001288705.3 (MANE Select); coding-DNA position 2508, C replaced by A.
Protein change: p.Ser836Arg; replaces serine 836 with arginine.
Molecular consequence: missense variant. On other transcripts: non-coding transcript variant (2).
Genome position (GRCh38, 1-based): chr5:150,056,072, G>T on the plus strand (C>A on the coding strand, the complement: CSF1R is on the minus strand). VCF-style: chr5-150056072-G-T. GRCh37 (hg19) VCF-style: chr5-149435635-G-T.
Other names: c.2508C>A, p.Ser836Arg (NM_001349736.2, NM_001375320.1, NM_005211.4); c.2064C>A, p.Ser688Arg (NM_001375321.1); short protein forms S688R, S836R.
Identifiers: ClinVar variation 2135794 (VCV002135794.4), dbSNP rs146691087, ClinGen allele CA361758412.